The following is an entry in ClinVar:

ClinVar aggregate classification (germline): Uncertain significance. Review status: criteria provided, multiple submitters, no conflicts (2 of 4 stars). 5 submissions from 5 submitters: Uncertain significance (5). Last evaluated 2025-12-23.

Conditions:
Cardiovascular phenotype. Identifiers: MedGen CN230736.
Naxos disease (NXD). Also called: KERATOSIS PALMOPLANTARIS WITH ARRHYTHMOGENIC CARDIOMYOPATHY; MAL DE NAXOS; PALMOPLANTAR KERATODERMA WITH ARRHYTHMOGENIC RIGHT VENTRICULAR CARDIOMYOPATHY AND WOOLLY HAIR; WOOLLY HAIR, PALMOPLANTAR KERATODERMA, AND CARDIAC ABNORMALITIES; CARDIOMYOPATHY, ARRHYTHMOGENIC RIGHT VENTRICULAR, WITH SKIN, HAIR, AND NAIL ABNORMALITIES. Identifiers: Orphanet 34217, MedGen C1832600, MONDO:0011017, OMIM 601214.
Arrhythmogenic right ventricular dysplasia 12. Also called: ARRHYTHMOGENIC RIGHT VENTRICULAR DYSPLASIA, FAMILIAL, 12. Identifiers: MedGen C1969081, MONDO:0012684, OMIM 611528.

Allele frequency attached by ClinVar (database versions not stated): ExAC 0.00001; gnomAD 0.00001; gnomAD exomes 0.00001 and 0.00002; TOPMed 0.00001.
gnomAD v4.1: 28 of 1,613,924 alleles (0.0017%); highest among the groups gnomAD compares: Non-Finnish European, 0.0021%; no homozygotes.

Submissions (5):

Labcorp Genetics (formerly Invitae), Labcorp
Classification: Uncertain significance for Arrhythmogenic right ventricular dysplasia 12; Naxos disease. Last evaluated: 2025-12-23. Review status: criteria provided, single submitter. Criteria: Invitae Variant Classification Sherloc (09022015). Collection method: clinical testing. Allele origin: germline.
Comment: This sequence change replaces lysine, which is basic and polar, with arginine, which is basic and polar, at codon 261 of the JUP protein (p.Lys261Arg). This variant is present in population databases (rs782527507, gnomAD 0.004%). This variant has not been reported in the literature in individuals affected with JUP-related conditions. ClinVar contains an entry for this variant (Variation ID: 239109). An algorithm developed to predict the effect of missense changes on protein structure and function (PolyPhen-2) suggests that this variant is likely to be disruptive. In summary, the available evidence is currently insufficient to determine the role of this variant in disease. Therefore, it has been classified as a Variant of Uncertain Significance.

Women's Health and Genetics/Laboratory Corporation of America, LabCorp
Classification: Uncertain significance. Last evaluated: 2025-09-30. Review status: criteria provided, single submitter. Criteria: LabCorp Variant Classification Summary - May 2015. Collection method: clinical testing. Allele origin: germline.

Molecular Diagnostic Laboratory for Inherited Cardiovascular Disease, Montreal Heart Institute
Classification: Uncertain significance for Cardiovascular phenotype. Last evaluated: 2025-04-09. Review status: criteria provided, single submitter. Criteria: ACMG Guidelines, 2015. Collection method: clinical testing. Allele origin: germline. Affected: yes.
Comment: PM2, PP3

Blueprint Genetics
Classification: Uncertain significance. Last evaluated: 2024-07-25. Review status: criteria provided, single submitter. Criteria: ACMG Guidelines, 2015. Collection method: clinical testing. Allele origin: germline.

Ambry Genetics
Classification: Uncertain significance for Cardiovascular phenotype. Last evaluated: 2024-01-23. Review status: criteria provided, single submitter. Criteria: Ambry Variant Classification Scheme 2023. Collection method: clinical testing. Allele origin: germline.

NM_002230.4(JUP):c.782A>G (p.Lys261Arg)

Gene: JUP (junction plakoglobin; minus strand). Cytogenetic location: 17q21.2.
Variant type: single nucleotide variant.
Coding change: c.782A>G on transcript NM_002230.4 (MANE Select); coding-DNA position 782, A replaced by G.
Protein change: p.Lys261Arg; replaces lysine 261 with arginine.
Molecular consequence: missense variant.
Genome position (GRCh38, 1-based): chr17:41,767,506, T>C on the plus strand (A>G on the coding strand, the complement: JUP is on the minus strand). VCF-style: chr17-41767506-T-C. GRCh37 (hg19) VCF-style: chr17-39923758-T-C.
Other names: c.782A>G, p.Lys261Arg (NM_001352773.2, NM_001352774.2, NM_001352775.2 and 3 more transcripts); c.782A>G (NM_002230.3); short protein forms K261R.
Identifiers: ClinVar variation 239109 (VCV000239109.13), dbSNP rs782527507, ClinGen allele CA8565381.